The following is an entry in ClinVar:

NM_020458.4(TTC7A):c.1919+869C>T

Gene: TTC7A (tetratricopeptide repeat domain 7A; plus strand). Cytogenetic location: 2p21.
Variant type: single nucleotide variant.
Coding change: c.1919+869C>T on transcript NM_020458.4 (MANE Select); 869 bases into the intron after coding-DNA position 1919, C replaced by T.
Molecular consequence: intron variant. On other transcripts: nonsense (1).
Genome position (GRCh38, 1-based): chr2:47,047,300, C>T. VCF-style: chr2-47047300-C-T. GRCh37 (hg19) VCF-style: chr2-47274439-C-T.
Other names: c.1954C>T, p.Gln652Ter (NM_001288951.2); c.1817+869C>T (NM_001288953.2); c.857+869C>T (NM_001288955.2); short protein forms Q652*.
Identifiers: ClinVar variation 1029304 (VCV001029304.1), dbSNP rs1230826905, ClinGen allele CA346720218.
Genomic context (GRCh38, chr2:47,047,300, plus strand): 5'-TCTGGTGTATATTTGTGTTTTCACAGAGACTTTAGGAGCCCAGAAGGCTTCCAGACTCCC[C>T]AGAGGAACATCTGTAACAGTGAAATTTACAGAGGAGGGTAATCAGACAGAGTAAAACACC-3'

ClinVar aggregate classification (germline): Uncertain significance (1 of 4 stars; one submission).

Conditions:
Multiple gastrointestinal atresias. Also called: Multiple intestinal atresia; FAMILIAL INTESTINAL POLYATRESIA SYNDROME. Identifiers: Orphanet 2300, MedGen C0220744, MONDO:0009465.

Allele frequency attached by ClinVar (database versions not stated): gnomAD exomes below 0.00001; TOPMed below 0.00001; gnomAD 0.00001.
gnomAD v4.1: 3 of 1,549,870 alleles (0.00019%); highest among the groups gnomAD compares: East Asian, 0.0024%; no homozygotes.

Submission:

Baylor Genetics
Classification: Uncertain significance for Gastrointestinal defects and immunodeficiency syndrome 1. Last evaluated: 2019-03-02. Review status: criteria provided, single submitter. Criteria: ACMG Guidelines, 2015. Collection method: clinical testing. Allele origin: maternal. Affected: yes.
Comment: This variant was determined to be of uncertain significance according to ACMG Guidelines, 2015 [PMID:25741868].